The following is an entry in ClinVar:

NM_001164760.2(PRKAR1B):c.186C>T (p.Asn62=)

Gene: PRKAR1B (protein kinase cAMP-dependent type I regulatory subunit beta; minus strand). Cytogenetic location: 7p22.3.
Variant type: single nucleotide variant.
Coding change: c.186C>T on transcript NM_001164760.2 (MANE Select); coding-DNA position 186, C replaced by T.
Protein change: p.Asn62=; no amino-acid change (asparagine 62 retained).
Molecular consequence: synonymous variant.
Genome position (GRCh38, 1-based): chr7:680,718, G>A on the plus strand (C>T on the coding strand, the complement: PRKAR1B is on the minus strand). VCF-style: chr7-680718-G-A. GRCh37 (hg19) VCF-style: chr7-720355-G-A.
Other names: c.186C>T, p.Asn62= (NM_001164758.2, NM_001164759.1, NM_001164761.2 and 2 more transcripts).
Identifiers: ClinVar variation 3067402 (VCV003067402.21), dbSNP rs1299082047, ClinGen allele CA453373545.
Genomic context (GRCh38, chr7:680,718, plus strand): 5'-CACCTCCTCATCATGGGAGTCCGACTGTGAGTTTGACTTTTGCCGCGCCAAAATCTGCCT[G>A]TTTTCTTCCTGTGTGGGAGAGGAAAACACAGAAAGGAAGTAAGAACCTGGCTGTCCCGGC-3'
Protein context (NP_001158232.1, residues 52-72): EHFEKLEKEE[Asn62=]RQILARQKSN

ClinVar aggregate classification (germline): Likely benign (1 of 4 stars; one submission).

gnomAD v4.1: 2 of 1,613,930 alleles (0.00012%); highest among the groups gnomAD compares: Non-Finnish European, 0.00017%; no homozygotes.

Submission:

CeGaT Center for Human Genetics Tuebingen
Classification: Likely benign. Last evaluated: 2024-03-01. Review status: criteria provided, single submitter. Criteria: CeGaT Center For Human Genetics Tuebingen Variant Classification Criteria Version 2. Collection method: clinical testing. Allele origin: germline. Affected: yes. Observed: 1 variant allele.
Comment: PRKAR1B: BP4